The following is an entry in ClinVar:

ClinVar aggregate classification (germline): Uncertain significance (1 of 4 stars; one submission).

Allele frequency attached by ClinVar (database versions not stated): gnomAD exomes below 0.00001; gnomAD 0.00001.

Submission:

Labcorp Genetics (formerly Invitae), Labcorp
Classification: Uncertain significance. Last evaluated: 2022-05-27. Review status: criteria provided, single submitter. Criteria: Invitae Variant Classification Sherloc (09022015). Collection method: clinical testing. Allele origin: germline.
Comment: In summary, the available evidence is currently insufficient to determine the role of this variant in disease. Therefore, it has been classified as a Variant of Uncertain Significance. Algorithms developed to predict the effect of missense changes on protein structure and function are either unavailable or do not agree on the potential impact of this missense change (SIFT: "Deleterious"; PolyPhen-2: "Possibly Damaging"; Align-GVGD: "Class C0"). This variant has not been reported in the literature in individuals affected with APC2-related conditions. This variant is present in population databases (no rsID available, gnomAD 0.004%). This sequence change replaces glycine, which is neutral and non-polar, with arginine, which is basic and polar, at codon 161 of the APC2 protein (p.Gly161Arg).

NM_005883.3(APC2):c.481G>C (p.Gly161Arg)

Gene: APC2 (APC regulator of Wnt signaling pathway 2; plus strand). Cytogenetic location: 19p13.3.
Variant type: single nucleotide variant.
Coding change: c.481G>C on transcript NM_005883.3 (MANE Select); coding-DNA position 481, G replaced by C.
Protein change: p.Gly161Arg; replaces glycine 161 with arginine.
Molecular consequence: missense variant.
Genome position (GRCh38, 1-based): chr19:1,455,216, G>C. VCF-style: chr19-1455216-G-C. GRCh37 (hg19) VCF-style: chr19-1455215-G-C.
Other names: c.481G>C, p.Gly161Arg (NM_001351273.1); short protein forms G161R.
Identifiers: ClinVar variation 2044497 (VCV002044497.4), dbSNP rs1346371871, ClinGen allele CA403011723.
Genomic context (GRCh38, chr19:1,455,216, plus strand): 5'-CTGCTGAATGAGATTGAGAAGGAGGAGAAGGAGAAGCTCTGGTACTACTCTCAGCTGCAG[G>C]GCCTGTCCAAGCGCCTGGACGAGCTGCCGCACGTGGAGACGGTGAGCCGGCCGGGGAGCC-3'
Protein context (NP_005874.1, residues 151-171): EKLWYYSQLQ[Gly161Arg]LSKRLDELPH